The following is an entry in ClinVar:

NM_001371928.1(AHDC1):c.4329C>G (p.His1443Gln)

Gene: AHDC1 (AT-hook DNA binding motif containing 1; minus strand). Cytogenetic location: 1p36.11.
Variant type: single nucleotide variant.
Coding change: c.4329C>G on transcript NM_001371928.1 (MANE Select); coding-DNA position 4329, C replaced by G.
Protein change: p.His1443Gln; replaces histidine 1443 with glutamine.
Molecular consequence: missense variant.
Genome position (GRCh38, 1-based): chr1:27,547,787, G>C on the plus strand (C>G on the coding strand, the complement: AHDC1 is on the minus strand). VCF-style: chr1-27547787-G-C. GRCh37 (hg19) VCF-style: chr1-27874298-G-C.
Other names: c.4329C>G, p.His1443Gln (NM_001029882.3); short protein forms H1443Q.
Identifiers: ClinVar variation 1245507 (VCV001245507.37), dbSNP rs199527867, ClinGen allele CA715384.
Genomic context (GRCh38, chr1:27,547,787, plus strand): 5'-GCCCTTGCAGCTGGGGGAATCGTAGTGGGGCTGGCCCAGCGGCAGGTCCCGGCAGCTCAG[G>C]TGGGCCTGGGCTGCAGCTGCGTGGCCCAGGCTGGCCCCCTGGAGTCCATGCTTGAGGGGC-3'
Protein context (NP_001358857.1, residues 1433-1453): SLGHAAAAQA[His1443Gln]LSCRDLPLGQ

ClinVar aggregate classification (germline): Benign/Likely benign. Review status: criteria provided, multiple submitters, no conflicts (2 of 4 stars). 6 submissions from 6 submitters: Benign (2); Likely benign (3). 1 of the submissions does not count toward it. Last evaluated 2025-08-20.

Conditions:
AHDC1-related disorder. Also called: AHDC1-related condition.
Inborn genetic diseases. Identifiers: MedGen C0950123, MeSH D030342.
AHDC1-related intellectual disability - obstructive sleep apnea - mild dysmorphism syndrome. Also called: Xia-Gibbs syndrome. Identifiers: Orphanet 412069, MedGen C4014419, MONDO:0014358, OMIM 615829.

Allele frequency attached by ClinVar (database versions not stated): gnomAD exomes 0.00003 and 0.00008; ExAC 0.00012; ESP Exome Variant Server 0.00031; gnomAD 0.00046 and 0.00051; 1000 Genomes Project 0.00060; 1000 Genomes Project 30x 0.00062.
gnomAD v4.1: 108 of 1,576,916 alleles (0.0068%); highest among the groups gnomAD compares: African/African-American, 0.14%; no homozygotes.

Submissions (6):

Labcorp Genetics (formerly Invitae), Labcorp
Classification: Likely benign. Last evaluated: 2025-08-20. Review status: criteria provided, single submitter. Criteria: Invitae Variant Classification Sherloc (09022015). Collection method: clinical testing. Allele origin: germline.

CeGaT Center for Human Genetics Tuebingen
Classification: Likely benign. Last evaluated: 2023-01-01. Review status: criteria provided, single submitter. Criteria: CeGaT Center For Human Genetics Tuebingen Variant Classification Criteria Version 2. Collection method: clinical testing. Allele origin: germline. Affected: yes. Observed: 1 variant allele.
Comment: AHDC1: BS1

Ambry Genetics
Classification: Likely benign for Inborn genetic diseases. Last evaluated: 2022-03-16. Review status: criteria provided, single submitter. Criteria: Ambry Variant Classification Scheme 2023. Collection method: clinical testing. Allele origin: germline.

Genome-Nilou Lab
Classification: Benign for AHDC1-related intellectual disability - obstructive sleep apnea - mild dysmorphism syndrome. Last evaluated: 2021-12-05. Review status: criteria provided, single submitter. Criteria: ACMG Guidelines, 2015. Collection method: clinical testing. Allele origin: germline. Affected: no.

GeneDx
Classification: Benign. Last evaluated: 2021-05-03. Review status: criteria provided, single submitter. Criteria: GeneDx Variant Classification Process June 2021. Collection method: clinical testing. Allele origin: germline. Affected: yes.

PreventionGenetics, part of Exact Sciences
Classification: Likely benign for AHDC1-related condition. Last evaluated: 2024-01-03. Review status: no assertion criteria provided. Collection method: clinical testing. Allele origin: germline. Not counted in ClinVar's aggregate classification.
Comment: This variant is classified as likely benign based on ACMG/AMP sequence variant interpretation guidelines (Richards et al. 2015 PMID: 25741868, with internal and published modifications).